The following continues an entry in ClinVar:

NM_001267550.2(TTN):c.17048A>G (p.Tyr5683Cys)

ClinVar aggregate classification (germline): Conflicting classifications of pathogenicity. Uncertain significance (1); Benign (16); Likely benign (5).

Submissions 17 to 29 of 29:

Genetic Services Laboratory, University of Chicago
Classification: Benign. Last evaluated: 2017-11-03. Review status: criteria provided, single submitter. Criteria: ACMG Guidelines, 2015. Collection method: clinical testing. Allele origin: germline. Affected: no.

Laboratory for Molecular Medicine, Mass General Brigham Personalized Medicine
Classification: Benign. Last evaluated: 2017-08-18. Review status: criteria provided, single submitter. Criteria: LMM Criteria. Collection method: clinical testing. Allele origin: germline. Observed: 22 variant alleles.
Comment: p.Tyr4439Cys in exon 55 of TTN: This variant is not expected to have clinical si gnificance because it has been identified in 1% (103/10130) of Ashkenazi chromos omes, including 3 homozygotes, by the Genome Aggregation Database (gnomAD; dbSNP rs72648942).

Center for Pediatric Genomic Medicine, Children's Mercy Hospital and Clinics
Classification: Likely benign. Last evaluated: 2017-05-05. Review status: criteria provided, single submitter. Criteria: ACMG Guidelines, 2015. Collection method: clinical testing. Allele origin: germline.

GeneDx
Classification: Benign. Last evaluated: 2017-03-16. Review status: criteria provided, single submitter. Criteria: GeneDx Variant Classification (06012015). Collection method: clinical testing. Allele origin: germline. Affected: yes.
Comment: This variant is considered likely benign or benign based on one or more of the following criteria: it is a conservative change, it occurs at a poorly conserved position in the protein, it is predicted to be benign by multiple in silico algorithms, and/or has population frequency not consistent with disease.

Eurofins Ntd Llc (ga)
Classification: Benign. Last evaluated: 2015-08-06. Review status: criteria provided, single submitter. Criteria: EGL Classification Definitions 2015. Collection method: clinical testing. Allele origin: germline. Observed: 1 variant allele, 1 heterozygote.

Biesecker Lab/Clinical Genomics Section, National Institutes of Health
Classification: Benign. Last evaluated: 2013-06-24. Review status: criteria provided, single submitter. Criteria: Ng et al. (Circ Cardiovasc Genet. 2013). Collection method: research. Allele origin: unknown. Observed: 5 variant alleles. Study: ClinSeq.
Comment: The study set was not selected for affection status in relation to any cancer. Pathogenicity categories were based on literature curation. See Pubmed ID:23861362 for details.

Medical sequencing

PreventionGenetics, part of Exact Sciences
Classification: Benign for TTN-related condition. Last evaluated: 2022-04-19. Review status: no assertion criteria provided. Collection method: clinical testing. Allele origin: germline. Not counted in ClinVar's aggregate classification.
Comment: This variant is classified as benign based on ACMG/AMP sequence variant interpretation guidelines (Richards et al. 2015 PMID: 25741868, with internal and published modifications).

Clinical Genetics DNA and cytogenetics Diagnostics Lab, Erasmus MC, Erasmus Medical Center
Classification: Likely benign. Review status: no assertion criteria provided. Collection method: clinical testing. Allele origin: germline. Affected: yes. Study: VKGL Data-share Consensus. Not counted in ClinVar's aggregate classification.

Clinical Genetics, Academic Medical Center
Classification: Benign. Review status: no assertion criteria provided. Collection method: clinical testing. Allele origin: germline. Affected: yes. Study: VKGL Data-share Consensus. Not counted in ClinVar's aggregate classification.

Diagnostic Laboratory, Department of Genetics, University Medical Center Groningen
Classification: Likely benign. Review status: no assertion criteria provided. Collection method: clinical testing. Allele origin: germline. Affected: yes. Study: VKGL Data-share Consensus. Not counted in ClinVar's aggregate classification.

Dr. Peter K. Rogan Lab, Western University
No classification provided (evidence only). Condition: Sarcoma. Review status: no classification provided. Collection method: in vitro. Allele origin: not applicable. Functional consequence: retained intron. Not counted in ClinVar's aggregate classification.

Joint Genome Diagnostic Labs from Nijmegen and Maastricht, Radboudumc and MUMC+
Classification: Likely benign. Review status: no assertion criteria provided. Collection method: clinical testing. Allele origin: germline. Affected: yes. Study: VKGL Data-share Consensus. Not counted in ClinVar's aggregate classification.

Laboratory of Diagnostic Genome Analysis, Leiden University Medical Center (LUMC)
Classification: Likely benign. Review status: no assertion criteria provided. Collection method: clinical testing. Allele origin: germline. Affected: yes. Study: VKGL Data-share Consensus. Not counted in ClinVar's aggregate classification.